The following is an entry in ClinVar:

ClinVar aggregate classification (germline): Conflicting classifications of pathogenicity. Review status: criteria provided, conflicting classifications (1 of 4 stars). 2 submissions from 2 submitters: Uncertain significance (1); Likely benign (1). Last evaluated 2025-08-13.

Submissions (2):

Labcorp Genetics (formerly Invitae), Labcorp
Classification: Uncertain significance. Last evaluated: 2025-08-13. Review status: criteria provided, single submitter. Criteria: Invitae Variant Classification Sherloc (09022015). Collection method: clinical testing. Allele origin: germline.
Comment: This sequence change falls in intron 57 of the MYO15A gene. It does not directly change the encoded amino acid sequence of the MYO15A protein. Information on the frequency of this variant in the gnomAD database is not available, as this variant may be reported differently in the database. This variant has not been reported in the literature in individuals affected with MYO15A-related conditions. ClinVar contains an entry for this variant (Variation ID: 3907108). Experimental studies and prediction algorithms are not available or were not evaluated, and the effect of this variant on mRNA splicing is currently unknown. In summary, the available evidence is currently insufficient to determine the role of this variant in disease. Therefore, it has been classified as a Variant of Uncertain Significance.

Women's Health and Genetics/Laboratory Corporation of America, LabCorp
Classification: Likely benign. Last evaluated: 2025-06-16. Review status: criteria provided, single submitter. Criteria: LabCorp Variant Classification Summary - May 2015. Collection method: clinical testing. Allele origin: germline.
Comment: Variant summary: MYO15A c.9518-11_9518-10delinsCA alters a non-conserved nucleotide located at a position not widely known to affect splicing. Consensus agreement among computation tools predict no significant impact on normal splicing. However, these predictions have yet to be confirmed by functional studies. The variant allele was found at a frequency of 0.00066 in 277810 control chromosomes in the gnomAD database, including 1 homozygote. This frequency is not significantly higher than estimated for a pathogenic variant in MYO15A causing Autosomal Recessive Nonsyndromic Hearing Loss 3, allowing no conclusion about variant significance. To our knowledge, no occurrence of c.9518-11_9518-10delinsCA in individuals affected with Autosomal Recessive Nonsyndromic Hearing Loss 3 and no experimental evidence demonstrating its impact on protein function have been reported. No submitters have cited clinical-significance assessments for this variant to ClinVar. Based on the evidence outlined above, the variant was classified as likely benign.

NM_016239.4(MYO15A):c.9518-11_9518-10inv

Gene: MYO15A (myosin XVA; plus strand). Cytogenetic location: 17p11.2.
Variant type: Inversion.
Coding change: c.9518-11_9518-10inv on transcript NM_016239.4 (MANE Select).
Molecular consequence: intron variant.
Genome position: GRCh38 VCF-style: chr17-18162574-TG-CA. GRCh37 (hg19) VCF-style: chr17-18065888-TG-CA.
Other names: c.9518-11_9518-10delinsCA (NM_016239.4).
Identifiers: ClinVar variation 3907108 (VCV003907108.2).
Genomic context (GRCh38, chr17:18,162,574, plus strand): 5'-GTGGCAAGAGGAGCGAGCCCCTTTCTCCCACAGTCCACCTTGGGCGAGGCCTGAACTCCC[TG>CA]CTTCTGCAGGGATCGCCAAGGCCTGCGAGCAGAACCTGCAGAAAACCTTGCGCTTCGGAG-3'